The following is an entry in ClinVar:

NM_000038.6(APC):c.583_586dup (p.Ile196fs)

Gene: APC (APC regulator of Wnt signaling pathway; plus strand). Cytogenetic location: 5q22.2.
Variant type: Duplication.
Coding change: c.583_586dup on transcript NM_000038.6 (MANE Select); coding-DNA positions 583 to 586, 4 bases duplicated (CAAA; older notation c.583_586dupCAAA).
Protein change: p.Ile196fs; shifts the reading frame from isoleucine 196.
Molecular consequence: frameshift variant. On other transcripts: 5 prime UTR variant (4), non-coding transcript variant (2).
Genome position (GRCh38, 1-based): chr5:112,780,841-112,780,844, CAAA duplicated. VCF-style (leftmost placement, unchanged base first): chr5-112780840-G-GCAAA. GRCh37 (hg19) VCF-style: chr5-112116537-G-GCAAA.
Other names: c.583_586dup, p.Ile196fs (NM_001127510.3, NM_001354895.2, NM_001407455.1 and 16 more transcripts); c.613_616dup, p.Ile206fs (NM_001127511.3, NM_001407446.1, NM_001354902.2 and 1 more transcripts); c.-453_-450dup (NM_001354906.2, NM_001407470.1, NM_001407471.1 and 1 more transcripts); c.508_511dup, p.Ile171fs (NM_001354898.2, NM_001354904.2, NM_001407451.1); c.406_409dup, p.Ile137fs (NM_001354900.2, NM_001354901.2, NM_001354905.2 and 1 more transcripts); short protein forms I137fs, I171fs, I196fs, I206fs.
Identifiers: ClinVar variation 3390367 (VCV003390367.2).

ClinVar aggregate classification (germline): Pathogenic (1 of 4 stars; one submission).

Conditions:
Familial adenomatous polyposis 1 (FAP1). Also called: FAMILIAL ADENOMATOUS POLYPOSIS 1, ATTENUATED; POLYPOSIS, ADENOMATOUS INTESTINAL. Identifiers: MedGen C2713442, MONDO:0021056, OMIM 175100. Disease mechanism: loss of function.

Submission:

National Molecular Genetics Centre of Cancer Research, N.N. Alexandrov National Cancer Centre of Belarus
Classification: Pathogenic for Familial adenomatous polyposis 1. Review status: criteria provided, single submitter. Criteria: ACMG Guidelines, 2015. Collection method: clinical testing. Allele origin: germline. Inheritance: Autosomal dominant inheritance. Affected: yes.
Comment: This variant was classified as: Pathogenic. The following ACMG 2015 criteria were applied: PVS1 (frameshift), PM2 (absent in Gnomad), PP4 (phenotype).